The following is an entry in ClinVar:

NM_003049.4(SLC10A1):c.755G>A (p.Arg252His)

Gene: SLC10A1 (solute carrier family 10 member 1; minus strand). Cytogenetic location: 14q24.1.
Variant type: single nucleotide variant.
Coding change: c.755G>A on transcript NM_003049.4 (MANE Select); coding-DNA position 755, G replaced by A.
Protein change: p.Arg252His; replaces arginine 252 with histidine.
Molecular consequence: missense variant.
Genome position (GRCh38, 1-based): chr14:69,778,521, C>T on the plus strand (G>A on the coding strand, the complement: SLC10A1 is on the minus strand). VCF-style: chr14-69778521-C-T. GRCh37 (hg19) VCF-style: chr14-70245238-C-T.
Other names: p.Arg252His; short protein forms R252H.
Identifiers: ClinVar variation 501945 (VCV000501945.18), dbSNP rs147226818, ClinGen allele CA7245980.

ClinVar aggregate classification (germline): Conflicting classifications of pathogenicity. Review status: criteria provided, conflicting classifications (1 of 4 stars). 9 submissions from 9 submitters: Pathogenic (1); Likely pathogenic (5); Uncertain significance (1). 2 of the submissions do not count toward it. Last evaluated 2026-06-01.

Conditions:
Hypercholanemia, familial, 2. Also called: NTCP deficiency. Identifiers: MedGen C5543243, MONDO:0031003, OMIM 619256. Disease mechanism: loss of function.
SLC10A1-related disorder. Also called: SLC10A1-related condition.

Allele frequency attached by ClinVar (database versions not stated): 1000 Genomes Project 30x 0.00016; gnomAD 0.00020 and 0.00023; ExAC 0.00021; TOPMed 0.00025; gnomAD exomes 0.00026; ESP Exome Variant Server 0.00031.
gnomAD v4.1: 360 of 1,600,916 alleles (0.022%); highest among the groups gnomAD compares: Middle Eastern, 0.081%; no homozygotes.

Submissions (9):

CeGaT Center for Human Genetics Tuebingen
Classification: Likely pathogenic. Last evaluated: 2026-06-01. Review status: criteria provided, single submitter. Criteria: CeGaT Center For Human Genetics Tuebingen Variant Classification Criteria Version 2. Collection method: clinical testing. Allele origin: germline. Affected: yes. Observed: 3 variant alleles.
Comment: SLC10A1: PM2, PM3, PP4, PS3:Supporting

PreventionGenetics, part of Exact Sciences
Classification: Likely pathogenic for SLC10A1-related condition. Last evaluated: 2026-02-11. Review status: criteria provided, single submitter. Criteria: ACMG Guidelines, 2015. Collection method: clinical testing. Allele origin: germline.
Comment: The SLC10A1 c.755G>A variant is predicted to result in the amino acid substitution p.Arg252His. This variant has been reported in the homozygous state in a patient with extremely elevated plasma bile salt levels, without clinical signs of pruritus, cholestasis, or liver dysfunction (Vaz et al. 2015. PubMed ID: 24867799; Vaz et al. 2017. PubMed ID: 28249272; Erlinger. 2015. PubMed ID: 25193235). Functional analysis showed that this variant resulted in a significantly reduced uptake activity of taurocholic acid (Vaz et al. 2015. PubMed ID: 24867799). This variant is reported in 0.042% of alleles in individuals of Ashkenazi Jewish descent in gnomAD. This variant is interpreted as likely pathogenic.

Immunogenetics and Transplant Biology Service, University Hospital "Città della Salute e della Scienza di Torino"
Classification: Likely pathogenic for Hypercholanemia, familial, 2. Last evaluated: 2025-06-28. Review status: criteria provided, single submitter. Criteria: ACMG Guidelines, 2015. Collection method: clinical testing. Allele origin: germline. Affected: yes.

First Genomix Gene Laboratory, Genetic Diagnostics Department
Classification: Likely pathogenic for Hypercholanemia, familial, 2. Last evaluated: 2025-03-25. Review status: criteria provided, single submitter. Criteria: ACMG Guidelines, 2015. Collection method: clinical testing. Allele origin: germline. Inheritance: Autosomal recessive inheritance. Affected: no. Observed: 1 variant allele.

Molecular Genetics and NGS Laboratory, Hospital Fundacion Valle Del Lili
Classification: Pathogenic for Hypercholanemia, familial, 2. Last evaluated: 2023-11-07. Review status: criteria provided, single submitter. Criteria: ACMG Guidelines, 2015. Collection method: clinical testing. Allele origin: germline. Affected: yes. Observed: 1 variant allele.

3billion
Classification: Likely pathogenic for Hypercholanemia, familial, 2. Last evaluated: 2023-02-23. Review status: criteria provided, single submitter. Criteria: ACMG Guidelines, 2015. Collection method: clinical testing. Allele origin: unknown. Affected: yes.
Comment: The variant is observed at an extremely low frequency in the gnomAD v2.1.1 dataset (total allele frequency: 0.024%). Protein truncation variants are a common disease-causing mechanism. Functional studies provide moderate evidence of the variant having a damaging effect on the gene or gene product (PMID: 24867799). In silico tool predictions suggest damaging effect of the variant on gene or gene product (REVEL: 0.87; 3Cnet: 0.11). Same nucleotide change resulting in same amino acid change has been previously reported to be associated with SLC10A1-related disorder (ClinVar ID: VCV000501945 / PMID: 24867799). Therefore, this variant is classified as Likely pathogenic according to the recommendation of ACMG/AMP guideline.

Eurofins Ntd Llc (ga)
Classification: Uncertain significance. Last evaluated: 2017-05-08. Review status: criteria provided, single submitter. Criteria: EGL Classification Definitions 2015. Collection method: clinical testing. Allele origin: germline. Observed: 1 variant allele, 1 heterozygote.

OMIM
Classification: Pathogenic for HYPERCHOLANEMIA, FAMILIAL, 2. Last evaluated: 2024-12-04. Review status: no assertion criteria provided. Collection method: literature only. Allele origin: germline. Not counted in ClinVar's aggregate classification.

Breakthrough Genomics
Classification: Uncertain significance. Review status: flagged submission. Criteria: ACMG Guidelines, 2015. Collection method: not provided. Allele origin: germline. Inheritance: Autosomal recessive inheritance. Affected: yes. Not counted in ClinVar's aggregate classification.
ClinVar note: Reason: Outlier claim with insufficient supporting evidence

Literature cited by the submitters: PubMed 24867799 (cited by 3billion and OMIM).